The following continues an entry in ClinVar:

NM_007194.4(CHEK2):c.1283C>T (p.Ser428Phe)

Gene: CHEK2. ClinVar aggregate classification (germline): Conflicting classifications of pathogenicity. Pathogenic (21); Likely pathogenic (11); Pathogenic, low penetrance (1); Established risk allele (1); Likely risk allele (1); Uncertain significance (1).

Submissions 31 to 41 of 42:

Illumina Laboratory Services, Illumina
Classification: Pathogenic for CHEK2-Related Cancer Susceptibility. Last evaluated: 2017-09-05. Review status: criteria provided, single submitter. Criteria: ICSL Variant Classification Criteria 09 May 2019. Collection method: clinical testing. Allele origin: germline.
Comment: The CHEK2 c.1283C>T (p.Ser428Phe) missense variant is well described in the literature, and is thought to be a founder variant in the Ashkenazi Jewish population (Shaag et al. 2005). This variant is a low penetrance allele, expecting to result in a two-fold increase in breast cancer risk for women over 50. The p.Ser428Phe variant was first identified in a study by Shaag et al. (2005) in which it was detected in a heterozygous state in 47 out of 1632 female Ashkenazi Jewish probands with breast cancer (unselected for family history or age at diagnosis), and in 23 of the 1673 controls. The association with breast cancer was statistically significant (OR = 2.13, p=0.004). The variant was found in two additional studies in at least 12 female probands with breast cancer, ten of whom also carried an intronic variant that is thought to be benign (Walsh et al. 2006; Laitman et al. 2007). Segregation with disease was demonstrated within three families. Roeb et al. (2012) identified the variant in six individuals in one family, where two of these individuals had breast cancer and one had esophageal cancer. Two of the other unaffected carriers were younger than 50 years old. The variant is reported at a frequency of 0.00055 in the European (non-Finnish) population of the Exome Aggregation Consortium. The p.Ser428Phe variant occurs at a position that is conserved in mammals and is located within the kinase domain (Roeb et al. 2012). Functional studies in yeast based on a lack of complementation of RAD53 demonstrated that the variant abrogates CHEK2 function (Shaag et al. 2005; Tischkowitz et al. 2008; Roeb et al. 2012). Based on the evidence, the p.Ser428Phe variant is classified as pathogenic for CHEK2-related cancer susceptibility, but is considered to be a low penetrance risk allele. This variant was observed by ICSL as part of a predisposition screen in an ostensibly healthy population.

Human Genome Sequencing Center Clinical Lab, Baylor College of Medicine
Classification: Pathogenic for Familial cancer of breast. Last evaluated: 2017-06-05. Review status: criteria provided, single submitter. Criteria: ACMG Guidelines, 2015. Collection method: clinical testing. Allele origin: germline.
Comment: The c.1283C>T (p.Ser428Phe) variant in the CHEK2 gene has been reported in patients with breast cancer [PMID 15649950, 22419737]. The variant was detected at a frequency of about 3% among Ashkenazi-Jewish female patients with breast cancer as opposed to 1.4% in controls (odds ratio of 2.13) [PMID 15649950]. The study concluded that this specific variant increases the breast cancer risk by 2-fold among Ashkenazi Jewish women. This variant is located in the kinase domain and functional assays in yeast showed that the mutant allele disrupt the the normal function of CHEK2 [PMID 15649950]. This variant was reported in 37 heterozygous European and South Asian individuals in ExAC. Serine at amino acid position 428 of the CHEK2 protein is conserved in mammals. While not validated for clinical use, computer-based algorithms (SIFT and Polyphen-2) predict this p.Ser428Phe change to be deleterious. It is thus classified as a pathogenic variant.

Fulgent Genetics
Classification: Pathogenic for Familial cancer of breast; Familial prostate cancer; Bone osteosarcoma; CHEK2-related cancer predisposition. Last evaluated: 2017-05-18. Review status: criteria provided, single submitter. Criteria: ACMG Guidelines, 2015. Collection method: clinical testing. Allele origin: unknown.

Illumina Laboratory Services, Illumina
Classification: Pathogenic for Breast Cancer. Last evaluated: 2016-06-14. Review status: criteria provided, single submitter. Criteria: ICSL Variant Classification 20161018. Collection method: clinical testing. Allele origin: germline.
Comment: The c.1283C>T (p.Ser428Phe) variant is well described in the literature, and is thought to be a founder variant in the Ashkenazi Jewish population (Shaag et al. 2005). This variant is a low penetrance allele, resulting in a two-fold increase in breast cancer risk for women over 50. The p.Ser428Phe variant was first identified in a study by Shaag et al. (2005) in which it was detected in a heterozygous state in 47 out of 1632 probands, and in 23 of the 1673 controls. The association with breast cancer was statistically significant (OR = 2.13, p=0.004). The variant was found in two additional studies in at least 12 probands with breast cancer, ten of whom also carried an intronic variant that is thought to be benign (Walsh et al. 2006; Laitman et al. 2007). Segregation with disease was demonstrated within three families. Roeb et al. (2012) identified the variant in six individuals in one family, where two carriers had breast cancer and one had esophageal cancer. Two of the other unaffected carriers were younger than 50. The variant is reported at a frequency of 0.00055 in the European (Non-Finnish) population of the Exome Aggregation Consortium. The p.Ser428Phe variant occurs at a position that is conserved in mammals and is located within the kinase domain (Roeb et al. 2012). Functional studies in yeast based on a lack of complementation of RAD53 demonstrated that the variant abrogates CHEK2 function (Shaag et al. 2005; Tischkowitz et al. 2008; Roeb et al. 2012). Based on the evidence, the p.Ser428Phe variant is classified as pathogenic for breast cancer but is considered to be a low penetrance risk allele.

University of Washington Department of Laboratory Medicine, University of Washington
Classification: Pathogenic for Breast and colorectal cancer, susceptibility to. Last evaluated: 2015-11-20. Review status: criteria provided, single submitter. Criteria: Shirts et al. (Genet Med 2016). Collection method: clinical testing. Allele origin: germline. Affected: yes. Observed: 3 variant alleles. Clinical features observed: pancreatic cancer, breast cancer, lobular breast cancer.

University Health Network, Familial Cancer Clinic, Princess Margaret Cancer Centre
Classification: Pathogenic for CHEK2-related cancer predisposition. Review status: criteria provided, single submitter. Criteria: ACMG Guidelines, 2015. Collection method: clinical testing. Allele origin: germline. Inheritance: Autosomal dominant inheritance. Affected: yes. Observed: 1 variant allele.

PreventionGenetics, part of Exact Sciences
Classification: Pathogenic for CHEK2-related condition. Last evaluated: 2024-08-23. Review status: no assertion criteria provided. Collection method: clinical testing. Allele origin: germline. Not counted in ClinVar's aggregate classification.
Comment: The CHEK2 c.1283C>T variant is predicted to result in the amino acid substitution p.Ser428Phe. This variant has previously been reported in control populations (<1.4%); however, this variant has been associated with an increased breast cancer risk (~2-fold) among Ashkenazi women. In addition, this variant was shown to abrogate CHEK2 function in yeast complementation assays (Shaaq et al. 2005. PubMed ID: 15649950; Roeb et al. 2012. PubMed ID: 22419737). To our knowledge, increased cancer risks with other types of cancers or in non-Ashkenazi individuals are not well established. This variant is reported as pathogenic or likely pathogenic by several genetic testing laboratories in ClinVar. This variant is reported in 1.1% of alleles in individuals of Ashkenazi Jewish descent in gnomAD. We classify this variant as pathogenic.

German Consortium for Hereditary Breast and Ovarian Cancer, University Hospital Cologne
Classification: Likely pathogenic, low penetrance for Hereditary breast ovarian cancer syndrome. Last evaluated: 2024-04-09. Review status: no assertion criteria provided. Collection method: curation. Allele origin: germline. Not counted in ClinVar's aggregate classification.
Comment: According to the ACMG SVI adaptation criteria we chose this criterion: PS4 (strong pathogenic): Risikoallel; funktionelle Analysen jetzt wiederspüchlich, Stolarova nicht damaging, ältere Analysen eher damaging => kein PS3, kein PM2, PS4-str: OR 2,13; in vielen Frauen >70 ohne

Genetic Services Laboratory, University of Chicago
Classification: Pathogenic for Breast cancer, susceptibility to. Last evaluated: 2021-08-09. Review status: no assertion criteria provided. Collection method: clinical testing. Allele origin: germline. Affected: yes. Not counted in ClinVar's aggregate classification.
Comment: DNA sequence analysis of the CHEK2 gene demonstrated a sequence change, c.1283C>T, in exon 12 that results in an amino acid change, p.Ser428Phe. This sequence change has previously been described in individuals and families with breast cancer (PMIDs: 15649950, 18085035, 22419737). One study reported the p.Ser428Phe variant in 47/1,632 Ashkenazi Jewish women with breast cancer and 23/1,673 unaffected controls, conferring a 2-fold increased risk for breast cancer in Ashkenazi Jewish women with this variant (PMID: 15649950). The p.Ser428Phe change affects a moderately conserved amino acid residue located in the kinase domain of the CHEK2 protein. Functional studies show p.Ser428Phe disrupts the function of the CHEK2 protein (PMIDs: 15649950, 22419737)

Counsyl
Classification: Likely pathogenic for Familial cancer of breast. Last evaluated: 2017-05-22. Review status: no assertion criteria provided. Collection method: clinical testing. Allele origin: unknown. Not counted in ClinVar's aggregate classification.
Comment: S428F has a reduced penetrance compared to the pathogenic CHEK2 mutation, c.1100delC, and is estimated to confer approximately a two-fold increased risk of breast cancer in the Ashkenazi Jewish population. This submission and the accompanying classification are no longer maintained by the submitter.

OMIM
Classification: Pathogenic for TUMOR PREDISPOSITION SYNDROME 4, BREAST. Last evaluated: 2005-02-15. Review status: no assertion criteria provided. Collection method: literature only. Allele origin: germline. Not counted in ClinVar's aggregate classification.